The following is an entry in ClinVar:

NM_004434.3(EML1):c.882A>G (p.Thr294=)

Gene: EML1 (EMAP like 1; plus strand). Cytogenetic location: 14q32.2.
Variant type: single nucleotide variant.
Coding change: c.882A>G on transcript NM_004434.3 (MANE Select); coding-DNA position 882, A replaced by G.
Protein change: p.Thr294=; no amino-acid change (threonine 294 retained).
Molecular consequence: synonymous variant.
Genome position (GRCh38, 1-based): chr14:99,898,287, A>G. VCF-style: chr14-99898287-A-G. GRCh37 (hg19) VCF-style: chr14-100364624-A-G.
Other names: c.939A>G, p.Thr313= (NM_001008707.2); c.843A>G, p.Thr281= (NM_001375411.1); c.882A>G, p.Thr294= (NM_001375412.1).
Identifiers: ClinVar variation 2644513 (VCV002644513.28), dbSNP rs151228442, ClinGen allele CA7342462.

ClinVar aggregate classification (germline): Likely benign. Review status: criteria provided, multiple submitters, no conflicts (2 of 4 stars). 3 submissions from 3 submitters: Likely benign (3). Last evaluated 2024-10-15.

Allele frequency attached by ClinVar (database versions not stated): TOPMed 0.00006; ESP Exome Variant Server 0.00008; gnomAD 0.00009; gnomAD exomes 0.00012; ExAC 0.00029; 1000 Genomes Project 30x 0.00031; 1000 Genomes Project 0.00040.
gnomAD v4.1: 195 of 1,611,642 alleles (0.012%); highest among the groups gnomAD compares: South Asian, 0.12%; 1 homozygote.

Submissions (3):

Blueprint Genetics
Classification: Likely benign. Last evaluated: 2024-10-15. Review status: criteria provided, single submitter. Criteria: ACMG Guidelines, 2015. Collection method: clinical testing. Allele origin: germline.

Labcorp Genetics (formerly Invitae), Labcorp
Classification: Likely benign. Last evaluated: 2023-12-09. Review status: criteria provided, single submitter. Criteria: Invitae Variant Classification Sherloc (09022015). Collection method: clinical testing. Allele origin: germline.

CeGaT Center for Human Genetics Tuebingen
Classification: Likely benign. Last evaluated: 2023-06-01. Review status: criteria provided, single submitter. Criteria: CeGaT Center For Human Genetics Tuebingen Variant Classification Criteria Version 2. Collection method: clinical testing. Allele origin: germline. Affected: yes. Observed: 1 variant allele.
Comment: EML1: BP4, BP7